The following is an entry in ClinVar:

NM_032383.5(HPS3):c.887G>A (p.Arg296His)

Gene: HPS3 (HPS3 biogenesis of lysosomal organelles complex 2 subunit 1; plus strand). Cytogenetic location: 3q24.
Variant type: single nucleotide variant.
Coding change: c.887G>A on transcript NM_032383.5 (MANE Select); coding-DNA position 887, G replaced by A.
Protein change: p.Arg296His; replaces arginine 296 with histidine.
Molecular consequence: missense variant.
Genome position (GRCh38, 1-based): chr3:149,141,297, G>A. VCF-style: chr3-149141297-G-A. GRCh37 (hg19) VCF-style: chr3-148859084-G-A.
Other names: c.392G>A, p.Arg131His (NM_001308258.2); c.887G>A (NM_032383.4, NM_032383.3); short protein forms R131H, R296H.
Identifiers: ClinVar variation 2076068 (VCV002076068.6), dbSNP rs141832148, ClinGen allele CA2659931.

ClinVar aggregate classification (germline): Conflicting classifications of pathogenicity. Review status: criteria provided, conflicting classifications (1 of 4 stars). 4 submissions from 4 submitters: Uncertain significance (2); Likely benign (1). 1 of the submissions does not count toward it. Last evaluated 2024-09-05.

Conditions:
HPS3-related disorder. Also called: HPS3-related condition.
Inborn genetic diseases. Identifiers: MedGen C0950123, MeSH D030342.

Allele frequency attached by ClinVar (database versions not stated): gnomAD exomes 0.00007; ExAC 0.00019; 1000 Genomes Project 0.00040; gnomAD 0.00055; TOPMed 0.00057; ESP Exome Variant Server 0.00077; 1000 Genomes Project 30x 0.00078.
gnomAD v4.1: 183 of 1,612,260 alleles (0.011%); highest among the groups gnomAD compares: African/African-American, 0.19%; 1 homozygote.

Submissions (4):

Labcorp Genetics (formerly Invitae), Labcorp
Classification: Uncertain significance. Last evaluated: 2024-09-05. Review status: criteria provided, single submitter. Criteria: Invitae Variant Classification Sherloc (09022015). Collection method: clinical testing. Allele origin: germline.
Comment: This sequence change replaces arginine, which is basic and polar, with histidine, which is basic and polar, at codon 296 of the HPS3 protein (p.Arg296His). This variant is present in population databases (rs141832148, gnomAD 0.2%), including at least one homozygous and/or hemizygous individual. This variant has not been reported in the literature in individuals affected with HPS3-related conditions. ClinVar contains an entry for this variant (Variation ID: 2076068). An algorithm developed to predict the effect of missense changes on protein structure and function (PolyPhen-2) suggests that this variant is likely to be disruptive. In summary, the available evidence is currently insufficient to determine the role of this variant in disease. Therefore, it has been classified as a Variant of Uncertain Significance.

Women's Health and Genetics/Laboratory Corporation of America, LabCorp
Classification: Likely benign. Last evaluated: 2023-11-30. Review status: criteria provided, single submitter. Criteria: LabCorp Variant Classification Summary - May 2015. Collection method: clinical testing. Allele origin: germline.
Comment: Variant summary: HPS3 c.887G>A (p.Arg296His) results in a non-conservative amino acid change in the encoded protein sequence. Three of five in-silico tools predict a benign effect of the variant on protein function. Consensus agreement among computation tools predict no significant impact on normal splicing. However, these predictions have yet to be confirmed by functional studies. The variant allele was found at a frequency of 0.00017 in 251408 control chromosomes, predominantly at a frequency of 0.0018 within the African or African-American subpopulation in the gnomAD database. The observed variant frequency within African or African-American control individuals in the gnomAD database is approximately 3 fold of the estimated maximal expected allele frequency for a pathogenic variant in HPS3 causing Hermansky-Pudlak Syndrome phenotype (0.00055), strongly suggesting that the variant is a benign polymorphism found primarily in populations of African or African-American origin. To our knowledge, no occurrence of c.887G>A in individuals affected with Hermansky-Pudlak Syndrome and no experimental evidence demonstrating its impact on protein function have been reported. One submitter has cited clinical-significance assessments for this variant to ClinVar after 2014 and has classified the variant as uncertain significance. Based on the evidence outlined above, the variant was classified as likely benign.

Ambry Genetics
Classification: Uncertain significance for Inborn genetic diseases. Last evaluated: 2023-10-05. Review status: criteria provided, single submitter. Criteria: Ambry Variant Classification Scheme 2023. Collection method: clinical testing. Allele origin: germline.

PreventionGenetics, part of Exact Sciences
Classification: Likely benign for HPS3-related condition. Last evaluated: 2024-01-04. Review status: no assertion criteria provided. Collection method: clinical testing. Allele origin: germline. Not counted in ClinVar's aggregate classification.
Comment: This variant is classified as likely benign based on ACMG/AMP sequence variant interpretation guidelines (Richards et al. 2015 PMID: 25741868, with internal and published modifications).